The following is an entry in ClinVar:

NC_000007.14:g.263104G>A

Variant type: single nucleotide variant.
Genome position: GRCh38 VCF-style: chr7-263104-G-A. GRCh37 (hg19) VCF-style: chr7-303070-G-A.
Identifiers: ClinVar variation 2657165 (VCV002657165.23), dbSNP rs1460012303, ClinGen allele CA453327265.

ClinVar aggregate classification (germline): Likely benign (1 of 4 stars; one submission).

Submission:

CeGaT Center for Human Genetics Tuebingen
Classification: Likely benign. Last evaluated: 2025-01-01. Review status: criteria provided, single submitter. Criteria: CeGaT Center For Human Genetics Tuebingen Variant Classification Criteria Version 2. Collection method: clinical testing. Allele origin: germline. Affected: yes. Observed: 2 variant alleles.
Comment: AC187652.1: PM2:Supporting, BP4, BP7